The following is an entry in ClinVar:

ClinVar aggregate classification (germline): Pathogenic. Review status: criteria provided, multiple submitters, no conflicts (2 of 4 stars). 4 submissions from 4 submitters: Pathogenic (4). Last evaluated 2025-12-19.

Conditions:
Hereditary nonpolyposis colorectal neoplasms. Identifiers: MedGen C0009405, MeSH D003123.
Hereditary cancer-predisposing syndrome. Also called: Tumor predisposition; Hereditary neoplastic syndrome; Hereditary Cancer Syndrome; Neoplastic Syndromes, Hereditary. Identifiers: Orphanet 140162, MedGen C0027672, MeSH D009386, MONDO:0015356.
Lynch syndrome. Identifiers: Orphanet 144, MedGen C4552100, MONDO:0005835. Disease mechanism: loss of function.
Lynch syndrome 4 (LYNCH4). Also called: Hereditary non-polyposis colorectal cancer, type 4; Colorectal cancer, hereditary nonpolyposis, type 4. Identifiers: Orphanet 144, MedGen C1838333, MONDO:0013699, OMIM 614337. Disease mechanism: loss of function.

Submissions (4):

Ambry Genetics
Classification: Pathogenic for Hereditary cancer-predisposing syndrome. Last evaluated: 2025-12-19. Review status: criteria provided, single submitter. Criteria: Ambry Variant Classification Scheme 2023. Collection method: clinical testing. Allele origin: germline.
Comment: The c.1500delC pathogenic mutation, located in coding exon 11 of the PMS2 gene, results from a deletion of one nucleotide at nucleotide position 1500, causing a translational frameshift with a predicted alternate stop codon (p.V501Wfs*94). This variant has been reported as a heterozygous variant in a Lynch syndrome family and a homozygous finding in an individual with constitutionl mismatch repair deficiency (CMMRD) (Shirts BH et al. Genet. Med., 2016 10;18:974-81; Ramchander NC et al. BMC Med. Genet., 2017 Apr;18:40). This alteration is expected to result in loss of function by premature protein truncation or nonsense-mediated mRNA decay. As such, this alteration is interpreted as a disease-causing mutation.

Labcorp Genetics (formerly Invitae), Labcorp
Classification: Pathogenic for Hereditary nonpolyposis colorectal neoplasms. Last evaluated: 2025-09-24. Review status: criteria provided, single submitter. Criteria: Invitae Variant Classification Sherloc (09022015). Collection method: clinical testing. Allele origin: germline.
Comment: This sequence change creates a premature translational stop signal (p.Val501Trpfs*94) in the PMS2 gene. It is expected to result in an absent or disrupted protein product. Loss-of-function variants in PMS2 are known to be pathogenic (PMID: 21376568, 24362816). This variant is present in population databases (rs759151952, gnomAD 0.009%). This premature translational stop signal has been observed in individual(s) with constitutional mismatch repair deficiency (CMMRD) and breast cancer (PMID: 26845104, 28381238). ClinVar contains an entry for this variant (Variation ID: 224541). For these reasons, this variant has been classified as Pathogenic.

Myriad Genetics, Inc.
Classification: Pathogenic for Lynch syndrome 4. Last evaluated: 2023-09-20. Review status: criteria provided, single submitter. Criteria: Myriad Autosomal Dominant, Autosomal Recessive and X-Linked Classification Criteria (2023). Collection method: clinical testing. Allele origin: unknown.
Comment: This variant is considered pathogenic. This variant creates a frameshift predicted to result in premature protein truncation.

University of Washington Department of Laboratory Medicine, University of Washington
Classification: Pathogenic for Hereditary nonpolyposis colon cancer. Last evaluated: 2015-11-20. Review status: criteria provided, single submitter. Criteria: Shirts et al. (Genet Med 2016). Collection method: clinical testing. Allele origin: germline. Observed: 1 variant allele.

Literature cited by the submitters: PubMed 26845104 (cited by Ambry Genetics and Labcorp Genetics (formerly Invitae), Labcorp); PubMed 28381238 (cited by Ambry Genetics and Labcorp Genetics (formerly Invitae), Labcorp); PubMed 21376568 (cited by Labcorp Genetics (formerly Invitae), Labcorp); PubMed 24362816 (cited by Labcorp Genetics (formerly Invitae), Labcorp).

NM_000535.7(PMS2):c.1500del (p.Val501fs)

Gene: PMS2 (PMS1 homolog 2, mismatch repair system component; minus strand). Cytogenetic location: 7p22.1.
Variant type: Deletion.
Coding change: c.1500del on transcript NM_000535.7 (MANE Select); coding-DNA position 1500, one base deleted (C; older notation c.1500delC).
Protein change: p.Val501fs; shifts the reading frame from valine 501.
Molecular consequence: frameshift variant. On other transcripts: non-coding transcript variant (1).
Genome position (GRCh38, 1-based): chr7:5,987,265, G deleted on the plus strand (C on the coding strand, the reverse complement: PMS2 is on the minus strand); the first of 2 consecutive G bases (chr7:5,987,265-5,987,266); deleting either gives the same sequence. VCF-style (leftmost placement, unchanged base first): chr7-5987264-CG-C. GRCh37 (hg19) VCF-style: chr7-6026895-CG-C.
Other names: c.1095del, p.Val366fs (NM_001322003.2, NM_001322004.2, NM_001322005.2 and 1 more transcripts); c.1344del, p.Val449fs (NM_001322006.2); c.1182del, p.Val395fs (NM_001322007.2, NM_001322008.2); c.939del, p.Val314fs (NM_001322010.2); c.567del, p.Val190fs (NM_001322011.2, NM_001322012.2); c.927del, p.Val310fs (NM_001322013.2); c.1500del, p.Val501fs (NM_001322014.2); c.1191del, p.Val398fs (NM_001322015.2); short protein forms V314fs, V190fs, V310fs, V366fs, V395fs, V398fs, V449fs, V501fs.
Identifiers: ClinVar variation 224541 (VCV000224541.17), dbSNP rs759151952, ClinGen allele CA044058.